The following is an entry in ClinVar:

NM_001164277.2(SLC37A4):c.311C>G (p.Ala104Gly)

Gene: SLC37A4 (solute carrier family 37 member 4; minus strand). Cytogenetic location: 11q23.3.
Variant type: single nucleotide variant.
Coding change: c.311C>G on transcript NM_001164277.2 (MANE Select); coding-DNA position 311, C replaced by G.
Protein change: p.Ala104Gly; replaces alanine 104 with glycine.
Molecular consequence: missense variant.
Genome position (GRCh38, 1-based): chr11:119,028,264, G>C on the plus strand (C>G on the coding strand, the complement: SLC37A4 is on the minus strand). VCF-style: chr11-119028264-G-C. GRCh37 (hg19) VCF-style: chr11-118898974-G-C.
Other names: c.311C>G, p.Ala104Gly (NM_001164278.2, NM_001164280.2, NM_001467.6); c.92C>G, p.Ala31Gly (NM_001164279.2); short protein forms A31G, A104G.
Identifiers: ClinVar variation 2338321 (VCV002338321.3), dbSNP rs1238696757, ClinGen allele CA382904926.

ClinVar aggregate classification (germline): Uncertain significance. Review status: criteria provided, multiple submitters, no conflicts (2 of 4 stars). 2 submissions from 2 submitters: Uncertain significance (2). Last evaluated 2026-05-17.

Conditions:
SLC37A4-related disorder. Also called: SLC37A4-related condition.
Inborn genetic diseases. Identifiers: MedGen C0950123, MeSH D030342.

Submissions (2):

PreventionGenetics, part of Exact Sciences
Classification: Uncertain significance for SLC37A4-related condition. Last evaluated: 2026-05-17. Review status: criteria provided, single submitter. Criteria: ACMG Guidelines, 2015. Collection method: clinical testing. Allele origin: germline.
Comment: The SLC37A4 c.311C>G variant is predicted to result in the amino acid substitution p.Ala104Gly. To our knowledge, this variant has not been reported in the literature or in a large population database (gnomAD), indicating this variant is rare. At this time, the clinical significance of this variant is uncertain due to the absence of conclusive functional and genetic evidence.

Ambry Genetics
Classification: Uncertain significance for Inborn genetic diseases. Last evaluated: 2022-12-21. Review status: criteria provided, single submitter. Criteria: Ambry Variant Classification Scheme 2023. Collection method: clinical testing. Allele origin: germline.